The following is an entry in ClinVar:

NM_024105.4(ALG12):c.959T>C (p.Leu320Pro)

Gene: ALG12 (ALG12 alpha-1,6-mannosyltransferase; minus strand). Cytogenetic location: 22q13.33.
Variant type: single nucleotide variant.
Coding change: c.959T>C on transcript NM_024105.4 (MANE Select); coding-DNA position 959, T replaced by C.
Protein change: p.Leu320Pro; replaces leucine 320 with proline.
Molecular consequence: missense variant.
Genome position (GRCh38, 1-based): chr22:49,907,754, A>G on the plus strand (T>C on the coding strand, the complement: ALG12 is on the minus strand). VCF-style: chr22-49907754-A-G. GRCh37 (hg19) VCF-style: chr22-50301402-A-G.
Other names: short protein forms L320P.
Identifiers: ClinVar variation 1525443 (VCV001525443.6), dbSNP rs1200180536, ClinGen allele CA412073542.

ClinVar aggregate classification (germline): Uncertain significance (1 of 4 stars; one submission).

Conditions:
ALG12-congenital disorder of glycosylation (CDG1G). Also called: CDG Ig; ALG12-CDG; Congenital disorder of glycosylation, type Ig. Identifiers: Orphanet 79324, MedGen C2931001, MONDO:0011783, OMIM 607143.

Allele frequency attached by ClinVar (database versions not stated): TOPMed below 0.00001; gnomAD 0.00001.
gnomAD v4.1: 1 of 1,614,026 alleles (0.000062%); highest among the groups gnomAD compares: African/African-American, 0.0013%; no homozygotes.

Submission:

Labcorp Genetics (formerly Invitae), Labcorp
Classification: Uncertain significance for ALG12-congenital disorder of glycosylation. Last evaluated: 2021-08-22. Review status: criteria provided, single submitter. Criteria: Invitae Variant Classification Sherloc (09022015). Collection method: clinical testing. Allele origin: germline.
Comment: This variant has not been reported in the literature in individuals affected with ALG12-related conditions. Algorithms developed to predict the effect of missense changes on protein structure and function (SIFT, PolyPhen-2, Align-GVGD) all suggest that this variant is likely to be disruptive. In summary, the available evidence is currently insufficient to determine the role of this variant in disease. Therefore, it has been classified as a Variant of Uncertain Significance. This sequence change replaces leucine with proline at codon 320 of the ALG12 protein (p.Leu320Pro). The leucine residue is moderately conserved and there is a moderate physicochemical difference between leucine and proline. This variant is not present in population databases (ExAC no frequency).